The following is an entry in ClinVar:

ClinVar aggregate classification (germline): Uncertain significance (1 of 4 stars; one submission).

Conditions:
Autosomal dominant limb-girdle muscular dystrophy type 1G (LGMDD3). Also called: Limb-girdle muscular dystrophy, type 1G; MUSCULAR DYSTROPHY, LIMB-GIRDLE, AUTOSOMAL DOMINANT 3. Identifiers: Orphanet 55596, MedGen C1836765, MONDO:0012193, OMIM 609115.

Submission:

Labcorp Genetics (formerly Invitae), Labcorp
Classification: Uncertain significance for Autosomal dominant limb-girdle muscular dystrophy type 1G. Last evaluated: 2022-12-31. Review status: criteria provided, single submitter. Criteria: Invitae Variant Classification Sherloc (09022015). Collection method: clinical testing. Allele origin: germline.
Comment: In summary, the available evidence is currently insufficient to determine the role of this variant in disease. Therefore, it has been classified as a Variant of Uncertain Significance. Experimental studies and prediction algorithms are not available or were not evaluated, and the functional significance of this variant is currently unknown. This variant has not been reported in the literature in individuals affected with HNRNPDL-related conditions. This variant is not present in population databases (gnomAD no frequency). This variant, c.167_178dup, results in the insertion of 4 amino acid(s) of the HNRNPDL protein (p.Arg56_Arg59dup), but otherwise preserves the integrity of the reading frame.

NM_031372.4(HNRNPDL):c.167_178dup (p.Arg59_His60insArgAlaGlnArg)

Gene: HNRNPDL (heterogeneous nuclear ribonucleoprotein D like; minus strand). Cytogenetic location: 4q21.22.
Variant type: Duplication.
Coding change: c.167_178dup on transcript NM_031372.4 (MANE Select); coding-DNA positions 167 to 178, 12 bases duplicated (GGGCCCAGCGCC).
Protein change: p.Arg59_His60insArgAlaGlnArg.
Molecular consequence: inframe insertion. On other transcripts: non-coding transcript variant (1).
Genome position (GRCh38, 1-based): chr4:82,429,513-82,429,524, GGCGCTGGGCCC duplicated on the plus strand (GGGCCCAGCGCC on the coding strand, the reverse complement: HNRNPDL is on the minus strand); duplicating any 12 consecutive bases within chr4:82,429,513-82,429,529 gives the same sequence; the c. name uses the placement nearest the transcript's 3' end. VCF-style (leftmost placement, unchanged base first): chr4-82429512-T-TGGCGCTGGGCCC. GRCh37 (hg19) VCF-style: chr4-83350665-T-TGGCGCTGGGCCC.
Other names: c.167_178dup, p.Arg59_His60insArgAlaGlnArg (NM_001207000.1).
Identifiers: ClinVar variation 2742414 (VCV002742414.3), dbSNP rs2530025099, ClinGen allele CA2697546801.
Genomic context (GRCh38, chr4:82,429,512, plus strand): 5'-CTGCGCCCTCCCTTTATAGCCGCCCCGCCCGCCAATCGGGAGGGCTGCTGGGCGGTGACG[T>TGGCGCTGGGCCC]GGCGCTGGGCCCGGCGCGCCCCCTGCCGGGCGGAGCTGGGAGCGAGCGAAGGGAGGAGCG-3'